The following is an entry in ClinVar:

NM_000026.4(ADSL):c.1212A>C (p.Arg404Ser)

Gene: ADSL (adenylosuccinate lyase; plus strand). Cytogenetic location: 22q13.1.
Variant type: single nucleotide variant.
Coding change: c.1212A>C on transcript NM_000026.4 (MANE Select); coding-DNA position 1212, A replaced by C.
Protein change: p.Arg404Ser; replaces arginine 404 with serine.
Molecular consequence: missense variant. On other transcripts: non-coding transcript variant (1), intron variant (1).
Genome position (GRCh38, 1-based): chr22:40,364,900, A>C. VCF-style: chr22-40364900-A-C. GRCh37 (hg19) VCF-style: chr22-40760904-A-C.
Other names: c.1020A>C, p.Arg340Ser (NM_001317923.2); c.1212A>C, p.Arg404Ser (NM_001363840.3); c.1191+535A>C (NM_001123378.3); short protein forms R404S, R340S.
Identifiers: ClinVar variation 459614 (VCV000459614.8), dbSNP rs781253590, ClinGen allele CA10247964.
Genomic context (GRCh38, chr22:40,364,900, plus strand): 5'-CTGTTAGTAGGGAACTGACAATACTTCACTGTCTTCCCAGGATTGCCATGAGAAAATCAG[A>C]GTGCTTTCTCAGCAGGCAGCTTCTGTGGTTAAGCAGGAAGGGGGTGACAATGACCTCATA-3'
Protein context (NP_000017.1, residues 394-414): GSRQDCHEKI[Arg404Ser]VLSQQAASVV

ClinVar aggregate classification (germline): Uncertain significance (1 of 4 stars; one submission).

Conditions:
Adenylosuccinate lyase deficiency (ADSLD). Also called: ADSL DEFICIENCY. Identifiers: Orphanet 46, MedGen C0268126, MONDO:0007068, OMIM 103050.

Allele frequency attached by ClinVar (database versions not stated): ExAC 0.00001; gnomAD exomes 0.00001 and 0.00002.
gnomAD v4.1: 6 of 1,614,220 alleles (0.00037%); highest among the groups gnomAD compares: Admixed American, 0.01%; no homozygotes.

Submission:

Labcorp Genetics (formerly Invitae), Labcorp
Classification: Uncertain significance for Adenylosuccinate lyase deficiency. Last evaluated: 2024-10-16. Review status: criteria provided, single submitter. Criteria: Invitae Variant Classification Sherloc (09022015). Collection method: clinical testing. Allele origin: germline.
Comment: This sequence change replaces arginine, which is basic and polar, with serine, which is neutral and polar, at codon 404 of the ADSL protein (p.Arg404Ser). This variant is present in population databases (rs781253590, gnomAD 0.01%). This variant has not been reported in the literature in individuals affected with ADSL-related conditions. ClinVar contains an entry for this variant (Variation ID: 459614). Invitae Evidence Modeling of protein sequence and biophysical properties (such as structural, functional, and spatial information, amino acid conservation, physicochemical variation, residue mobility, and thermodynamic stability) indicates that this missense variant is expected to disrupt ADSL protein function with a positive predictive value of 80%. In summary, the available evidence is currently insufficient to determine the role of this variant in disease. Therefore, it has been classified as a Variant of Uncertain Significance.